The following is an entry in ClinVar:

ClinVar aggregate classification (germline): Benign (1 of 4 stars; one submission).

Allele frequency attached by ClinVar (database versions not stated): gnomAD 0.26391 and 0.27754; TOPMed 0.26414; 1000 Genomes Project 30x 0.37539; 1000 Genomes Project 0.38698.
gnomAD v4.1: 42,163 of 151,956 alleles (28%); highest among the groups gnomAD compares: South Asian, 59%; 6,299 homozygotes.

Submissions (19):

GeneDx
Classification: Benign. Last evaluated: 2018-06-14. Review status: criteria provided, single submitter. Criteria: GeneDx Variant Classification (06012015). Collection method: clinical testing. Allele origin: germline. Affected: yes.
Comment: This variant is considered likely benign or benign based on one or more of the following criteria: it is a conservative change, it occurs at a poorly conserved position in the protein, it is predicted to be benign by multiple in silico algorithms, and/or has population frequency not consistent with disease.

Dr. Peter K. Rogan Lab, Western University
No classification provided (evidence only). Condition: Uterine corpus endometrial carcinoma. Review status: no classification provided. Collection method: in vitro. Allele origin: not applicable. Functional consequence: retained intron. Not counted in ClinVar's aggregate classification.

Dr. Peter K. Rogan Lab, Western University
No classification provided (evidence only). Condition: Uterine corpus endometrial carcinoma. Review status: no classification provided. Collection method: in vitro. Allele origin: not applicable. Functional consequence: retained intron. Not counted in ClinVar's aggregate classification.

Dr. Peter K. Rogan Lab, Western University
No classification provided (evidence only). Condition: Uterine corpus endometrial carcinoma. Review status: no classification provided. Collection method: in vitro. Allele origin: not applicable. Functional consequence: retained intron. Not counted in ClinVar's aggregate classification.

Dr. Peter K. Rogan Lab, Western University
No classification provided (evidence only). Condition: Cervical cancer. Review status: no classification provided. Collection method: in vitro. Allele origin: not applicable. Functional consequence: retained intron. Not counted in ClinVar's aggregate classification.

Dr. Peter K. Rogan Lab, Western University
No classification provided (evidence only). Condition: Cervical cancer. Review status: no classification provided. Collection method: in vitro. Allele origin: not applicable. Functional consequence: retained intron. Not counted in ClinVar's aggregate classification.

Dr. Peter K. Rogan Lab, Western University
No classification provided (evidence only). Condition: Cervical cancer. Review status: no classification provided. Collection method: in vitro. Allele origin: not applicable. Functional consequence: retained intron. Not counted in ClinVar's aggregate classification.

Dr. Peter K. Rogan Lab, Western University
No classification provided (evidence only). Condition: Sarcoma. Review status: no classification provided. Collection method: in vitro. Allele origin: not applicable. Functional consequence: retained intron. Not counted in ClinVar's aggregate classification.

Dr. Peter K. Rogan Lab, Western University
No classification provided (evidence only). Condition: Sarcoma. Review status: no classification provided. Collection method: in vitro. Allele origin: not applicable. Functional consequence: retained intron. Not counted in ClinVar's aggregate classification.

Dr. Peter K. Rogan Lab, Western University
No classification provided (evidence only). Condition: Malignant lymphoma, large B-cell, diffuse. Review status: no classification provided. Collection method: in vitro. Allele origin: not applicable. Functional consequence: retained intron. Not counted in ClinVar's aggregate classification.

Dr. Peter K. Rogan Lab, Western University
No classification provided (evidence only). Condition: Malignant lymphoma, large B-cell, diffuse. Review status: no classification provided. Collection method: in vitro. Allele origin: not applicable. Functional consequence: retained intron. Not counted in ClinVar's aggregate classification.

Dr. Peter K. Rogan Lab, Western University
No classification provided (evidence only). Condition: Thymoma. Review status: no classification provided. Collection method: in vitro. Allele origin: not applicable. Functional consequence: retained intron. Not counted in ClinVar's aggregate classification.

Dr. Peter K. Rogan Lab, Western University
No classification provided (evidence only). Condition: Gastric cancer. Review status: no classification provided. Collection method: in vitro. Allele origin: not applicable. Functional consequence: retained intron. Not counted in ClinVar's aggregate classification.

Dr. Peter K. Rogan Lab, Western University
No classification provided (evidence only). Condition: Uterine carcinosarcoma. Review status: no classification provided. Collection method: in vitro. Allele origin: not applicable. Functional consequence: retained intron. Not counted in ClinVar's aggregate classification.

Dr. Peter K. Rogan Lab, Western University
No classification provided (evidence only). Condition: Uterine carcinosarcoma. Review status: no classification provided. Collection method: in vitro. Allele origin: not applicable. Functional consequence: retained intron. Not counted in ClinVar's aggregate classification.

Dr. Peter K. Rogan Lab, Western University
No classification provided (evidence only). Condition: Uterine carcinosarcoma. Review status: no classification provided. Collection method: in vitro. Allele origin: not applicable. Functional consequence: retained intron. Not counted in ClinVar's aggregate classification.

Dr. Peter K. Rogan Lab, Western University
No classification provided (evidence only). Condition: Malignant tumor of esophagus. Review status: no classification provided. Collection method: in vitro. Allele origin: not applicable. Functional consequence: retained intron. Not counted in ClinVar's aggregate classification.

Dr. Peter K. Rogan Lab, Western University
No classification provided (evidence only). Condition: Malignant tumor of esophagus. Review status: no classification provided. Collection method: in vitro. Allele origin: not applicable. Functional consequence: retained intron. Not counted in ClinVar's aggregate classification.

Dr. Peter K. Rogan Lab, Western University
No classification provided (evidence only). Condition: Malignant tumor of esophagus. Review status: no classification provided. Collection method: in vitro. Allele origin: not applicable. Functional consequence: retained intron. Not counted in ClinVar's aggregate classification.

NM_005188.4(CBL):c.748-268A>G

Gene: CBL (Cbl proto-oncogene; plus strand). Cytogenetic location: 11q23.3.
Variant type: single nucleotide variant.
Coding change: c.748-268A>G on transcript NM_005188.4 (MANE Select); 268 bases into the intron before coding-DNA position 748, A replaced by G.
Molecular consequence: intron variant.
Genome position (GRCh38, 1-based): chr11:119,274,564, A>G. VCF-style: chr11-119274564-A-G. GRCh37 (hg19) VCF-style: chr11-119145274-A-G.
Other names: NC_000011.9:g.119145274A>G.
Identifiers: ClinVar variation 561834 (VCV000561834.2), dbSNP rs2276083, ClinGen allele CA15681995.